The following is an entry in ClinVar:

ClinVar aggregate classification (germline): Uncertain significance (1 of 4 stars; one submission).

Conditions:
ALG9 congenital disorder of glycosylation (CDG1L). Also called: ALG9-CDG; CONGENITAL DISORDER OF GLYCOSYLATION, TYPE Il; CDG Il. Identifiers: Orphanet 79328, MedGen C2931006, MONDO:0012117, OMIM 608776.

gnomAD v4.1: 16 of 1,613,992 alleles (0.00099%); highest among the groups gnomAD compares: Middle Eastern, 0.017%; no homozygotes.

Submission:

Labcorp Genetics (formerly Invitae), Labcorp
Classification: Uncertain significance for ALG9 congenital disorder of glycosylation. Last evaluated: 2025-10-29. Review status: criteria provided, single submitter. Criteria: Invitae Variant Classification Sherloc (09022015). Collection method: clinical testing. Allele origin: germline.
Comment: This sequence change replaces valine, which is neutral and non-polar, with isoleucine, which is neutral and non-polar, at codon 599 of the ALG9 protein (p.Val599Ile). This variant is present in population databases (no rsID available, gnomAD 0.003%). This variant has not been reported in the literature in individuals affected with ALG9-related conditions. Experimental studies and prediction algorithms are not available or were not evaluated, and the functional significance of this variant is currently unknown. In summary, the available evidence is currently insufficient to determine the role of this variant in disease. Therefore, it has been classified as a Variant of Uncertain Significance.

NM_024740.2(ALG9):c.1795G>A (p.Val599Ile)

Gene: ALG9 (ALG9 alpha-1,2-mannosyltransferase; minus strand). Cytogenetic location: 11q23.1.
Variant type: single nucleotide variant.
Coding change: c.1795G>A on transcript NM_024740.2 (MANE Select); coding-DNA position 1795, G replaced by A.
Protein change: p.Val599Ile; replaces valine 599 with isoleucine.
Molecular consequence: missense variant. On other transcripts: 3 prime UTR variant (4), non-coding transcript variant (1).
Genome position (GRCh38, 1-based): chr11:111,786,459, C>T on the plus strand (G>A on the coding strand, the complement: ALG9 is on the minus strand). VCF-style: chr11-111786459-C-T. GRCh37 (hg19) VCF-style: chr11-111657183-C-T.
Other names: c.1774G>A, p.Val592Ile (NM_001077690.1, NM_001352417.1); c.1282G>A, p.Val428Ile (NM_001077691.2, NM_001352413.1, NM_001352414.2 and 1 more transcripts); c.1261G>A, p.Val421Ile (NM_001077692.2, NM_001352409.1, NM_001352410.1 and 4 more transcripts); c.1651G>A, p.Val551Ile (NM_001352418.1); c.*67G>A (NM_001352420.2); c.*61G>A (NM_001352421.2, NM_001441204.1, NM_001441205.1); c.1186G>A, p.Val396Ile (NM_001352422.2); c.1138G>A, p.Val380Ile (NM_001352423.2); and 2 more; short protein forms V380I, V421I, V551I, V599I, V558I, V592I, V396I, V428I.
Identifiers: ClinVar variation 4700822 (VCV004700822.1).